The following is an entry in ClinVar:

ClinVar aggregate classification (germline): Uncertain significance (1 of 4 stars; one submission).

Allele frequency attached by ClinVar (database versions not stated): gnomAD 0.00001; TOPMed 0.00002.
gnomAD v4.1: 13 of 1,612,154 alleles (0.00081%); highest among the groups gnomAD compares: Non-Finnish European, 0.0011%; no homozygotes.

Submission:

Labcorp Genetics (formerly Invitae), Labcorp
Classification: Uncertain significance. Last evaluated: 2025-06-18. Review status: criteria provided, single submitter. Criteria: Invitae Variant Classification Sherloc (09022015). Collection method: clinical testing. Allele origin: germline.
Comment: This sequence change falls in intron 18 of the CACNA2D4 gene. It does not directly change the encoded amino acid sequence of the CACNA2D4 protein. This variant is not present in population databases (gnomAD no frequency). This variant has not been reported in the literature in individuals affected with CACNA2D4-related conditions. ClinVar contains an entry for this variant (Variation ID: 1981542). Algorithms developed to predict the effect of sequence changes on RNA splicing suggest that this variant may disrupt the consensus splice site. In summary, the available evidence is currently insufficient to determine the role of this variant in disease. Therefore, it has been classified as a Variant of Uncertain Significance.

NM_172364.5(CACNA2D4):c.1879-9C>G

Gene: CACNA2D4 (calcium voltage-gated channel auxiliary subunit alpha2delta 4; minus strand). Cytogenetic location: 12p13.33.
Variant type: single nucleotide variant.
Coding change: c.1879-9C>G on transcript NM_172364.5 (MANE Select); 9 bases into the intron before coding-DNA position 1879, C replaced by G.
Molecular consequence: intron variant.
Genome position (GRCh38, 1-based): chr12:1,860,215, G>C on the plus strand (C>G on the coding strand, the complement: CACNA2D4 is on the minus strand). VCF-style: chr12-1860215-G-C. GRCh37 (hg19) VCF-style: chr12-1969381-G-C.
Identifiers: ClinVar variation 1981542 (VCV001981542.4), dbSNP rs760499058, ClinGen allele CA686103860.